The following is an entry in ClinVar:

NM_001374828.1(ARID1B):c.4292A>T (p.Asp1431Val)

Gene: ARID1B (AT-rich interaction domain 1B; plus strand). Cytogenetic location: 6q25.3.
Variant type: single nucleotide variant.
Coding change: c.4292A>T on transcript NM_001374828.1 (MANE Select); coding-DNA position 4292, A replaced by T.
Protein change: p.Asp1431Val; replaces aspartic acid 1431 with valine.
Molecular consequence: missense variant.
Genome position (GRCh38, 1-based): chr6:157,196,225, A>T. VCF-style: chr6-157196225-A-T. GRCh37 (hg19) VCF-style: chr6-157517359-A-T.
Other names: c.1793A>T, p.Asp598Val (NM_001363725.2); c.4172A>T, p.Asp1391Val (NM_001371656.1, NM_001374820.1); c.4421A>T, p.Asp1474Val (NM_001438482.1); c.4334A>T, p.Asp1445Val (NM_001438483.1); c.4202A>T, p.Asp1401Val (NM_001438485.1); c.4175A>T, p.Asp1392Val (NM_001438486.1); c.4112A>T, p.Asp1371Val (NM_001438487.1); c.1634A>T, p.Asp545Val (NM_001438488.1); and 1 more; short protein forms D1371V, D1378V, D1391V, D1392V, D1401V, D1431V, D1445V, D1474V.
Identifiers: ClinVar variation 4976473 (VCV004976473.1).

ClinVar aggregate classification (germline): Uncertain significance (1 of 4 stars; one submission).

Submission:

GeneDx
Classification: Uncertain significance. Last evaluated: 2026-02-10. Review status: criteria provided, single submitter. Criteria: GeneDx Variant Classification Process June 2021. Collection method: clinical testing. Allele origin: germline.
Comment: Not observed at significant frequency in large population cohorts (gnomAD); In silico analysis supports that this missense variant has a deleterious effect on protein structure/function; Has not been previously published as pathogenic or benign to our knowledge